The following is an entry in ClinVar:

ClinVar aggregate classification (germline): Conflicting classifications of pathogenicity. Review status: criteria provided, conflicting classifications (1 of 4 stars). 4 submissions from 4 submitters: Uncertain significance (2); Likely benign (2). Last evaluated 2026-09-08.

Conditions:
Inborn genetic diseases. Identifiers: MedGen C0950123, MeSH D030342.

Allele frequency attached by ClinVar (database versions not stated): gnomAD exomes below 0.00001; ExAC 0.00002; gnomAD 0.00003; TOPMed 0.00003; ESP Exome Variant Server 0.00008.
gnomAD v4.1: 28 of 1,611,334 alleles (0.0017%); highest among the groups gnomAD compares: African/African-American, 0.024%; no homozygotes.

Submissions (4):

GeneDx
Classification: Uncertain significance. Last evaluated: 2026-09-08. Review status: criteria provided, single submitter. Criteria: GeneDx Variant Classification Process June 2021. Collection method: clinical testing. Allele origin: germline.
Comment: In silico analysis suggests that this missense variant does not alter protein structure/function; Has not been previously published as pathogenic or benign to our knowledge

Ambry Genetics
Classification: Likely benign for Inborn genetic diseases. Last evaluated: 2025-11-11. Review status: criteria provided, single submitter. Criteria: Ambry Variant Classification Scheme 2023. Collection method: clinical testing. Allele origin: germline.

Labcorp Genetics (formerly Invitae), Labcorp
Classification: Uncertain significance. Last evaluated: 2022-06-14. Review status: criteria provided, single submitter. Criteria: Invitae Variant Classification Sherloc (09022015). Collection method: clinical testing. Allele origin: germline.
Comment: ClinVar contains an entry for this variant (Variation ID: 504873). In summary, the available evidence is currently insufficient to determine the role of this variant in disease. Therefore, it has been classified as a Variant of Uncertain Significance. Algorithms developed to predict the effect of missense changes on protein structure and function output the following: SIFT: "Tolerated"; PolyPhen-2: "Benign"; Align-GVGD: "Class C0". The valine amino acid residue is found in multiple mammalian species, which suggests that this missense change does not adversely affect protein function. This variant has not been reported in the literature in individuals affected with TSPEAR-related conditions. The frequency data for this variant in the population databases is considered unreliable, as metrics indicate poor data quality at this position in the gnomAD database. This sequence change replaces alanine, which is neutral and non-polar, with valine, which is neutral and non-polar, at codon 14 of the TSPEAR protein (p.Ala14Val).

Laboratory for Molecular Medicine, Mass General Brigham Personalized Medicine
Classification: Likely benign. Last evaluated: 2016-09-11. Review status: criteria provided, single submitter. Criteria: LMM Criteria. Collection method: clinical testing. Allele origin: germline. Observed: 1 variant allele.
Comment: p.Ala14Val in exon 1 of TSPEAR: This variant is not expected to have clinical si gnificance due to a lack of conservation across species, including mammals. Of n ote, more than 5 mammals have a valine (Val) at this position. In addition, comp utational prediction tools do not suggest a high likelihood of impact to the pro tein. It has been identified in 1/8142 Latino chromosomes by the Exome Aggregati on Consortium (ExAC; dbSNP rs140778310).

NM_144991.3(TSPEAR):c.41C>T (p.Ala14Val)

Gene: TSPEAR (thrombospondin type laminin G domain and EAR repeats; minus strand). Cytogenetic location: 21q22.3.
Variant type: single nucleotide variant.
Coding change: c.41C>T on transcript NM_144991.3 (MANE Select); coding-DNA position 41, C replaced by T.
Protein change: p.Ala14Val; replaces alanine 14 with valine.
Molecular consequence: missense variant. On other transcripts: 5 prime UTR variant (1).
Genome position (GRCh38, 1-based): chr21:44,711,474, G>A on the plus strand (C>T on the coding strand, the complement: TSPEAR is on the minus strand). VCF-style: chr21-44711474-G-A. GRCh37 (hg19) VCF-style: chr21-46131389-G-A.
Other names: c.-226C>T (NM_001272037.2); short protein forms A14V.
Identifiers: ClinVar variation 504873 (VCV000504873.13), dbSNP rs140778310, ClinGen allele CA10061756.
Genomic context (GRCh38, chr21:44,711,474, plus strand): 5'-TCCCATGCCCCTGCCTTACCTGTGCAGGGCTCCCAACCCTGCGTGCCGTGGCCGGGGGCC[G>A]CCAGGGGCAGCACAAAACACAGACTCAGCAGGGCAGACATGAGGGGCTTGGGTGCCAAGC-3'
Protein context (NP_659428.2, residues 4-24): LLSLCFVLPL[Ala14Val]APGHGTQGWE